The following is an entry in ClinVar:

NM_003906.5(MCM3AP):c.4928G>T (p.Gly1643Val)

Genes: MCM3AP (minichromosome maintenance complex component 3 associated protein; minus strand), MCM3AP-AS1 (MCM3AP antisense RNA 1; plus strand). Cytogenetic location: 21q22.3.
Variant type: single nucleotide variant.
Coding change: c.4928G>T on transcript NM_003906.5 (MANE Select); coding-DNA position 4928, G replaced by T.
Protein change: p.Gly1643Val; replaces glycine 1643 with valine.
Molecular consequence: missense variant.
Genome position (GRCh38, 1-based): chr21:46,244,917, C>A on the plus strand (G>T on the coding strand, the complement: MCM3AP is on the minus strand). VCF-style: chr21-46244917-C-A. GRCh37 (hg19) VCF-style: chr21-47664831-C-A.
Other names: short protein forms G1643V.
Identifiers: ClinVar variation 1385550 (VCV001385550.4), dbSNP rs1461006457, ClinGen allele CA410543043.

ClinVar aggregate classification (germline): Uncertain significance (1 of 4 stars; one submission).

gnomAD v4.1: 9 of 1,614,162 alleles (0.00056%); highest among the groups gnomAD compares: Non-Finnish European, 0.00076%; no homozygotes.

Submission:

Labcorp Genetics (formerly Invitae), Labcorp
Classification: Uncertain significance. Last evaluated: 2022-07-12. Review status: criteria provided, single submitter. Criteria: Invitae Variant Classification Sherloc (09022015). Collection method: clinical testing. Allele origin: germline.
Comment: In summary, the available evidence is currently insufficient to determine the role of this variant in disease. Therefore, it has been classified as a Variant of Uncertain Significance. Algorithms developed to predict the effect of sequence changes on RNA splicing suggest that this variant may create or strengthen a splice site. Algorithms developed to predict the effect of missense changes on protein structure and function are either unavailable or do not agree on the potential impact of this missense change (SIFT: "Deleterious"; PolyPhen-2: "Probably Damaging"; Align-GVGD: "Class C0"). ClinVar contains an entry for this variant (Variation ID: 1385550). This variant has not been reported in the literature in individuals affected with MCM3AP-related conditions. This variant is not present in population databases (gnomAD no frequency). This sequence change replaces glycine, which is neutral and non-polar, with valine, which is neutral and non-polar, at codon 1643 of the MCM3AP protein (p.Gly1643Val).